The following is an entry in ClinVar:

ClinVar aggregate classification (germline): Uncertain significance (1 of 4 stars; one submission).

Submission:

GeneDx
Classification: Uncertain significance. Last evaluated: 2020-01-30. Review status: criteria provided, single submitter. Criteria: GeneDx Variant Classification Process June 2021. Collection method: clinical testing. Allele origin: germline. Affected: yes.
Comment: Not observed in large population cohorts (Lek et al., 2016); In silico analysis supports that this missense variant does not alter protein structure/function; Has not been previously published as pathogenic or benign to our knowledge

NM_003737.4(DCHS1):c.1090G>A (p.Val364Ile)

Gene: DCHS1 (dachsous cadherin-related 1; minus strand). Cytogenetic location: 11p15.4.
Variant type: single nucleotide variant.
Coding change: c.1090G>A on transcript NM_003737.4 (MANE Select); coding-DNA position 1090, G replaced by A.
Protein change: p.Val364Ile; replaces valine 364 with isoleucine.
Molecular consequence: missense variant.
Genome position (GRCh38, 1-based): chr11:6,640,524, C>T on the plus strand (G>A on the coding strand, the complement: DCHS1 is on the minus strand). VCF-style: chr11-6640524-C-T. GRCh37 (hg19) VCF-style: chr11-6661755-C-T.
Other names: short protein forms V364I.
Identifiers: ClinVar variation 1314275 (VCV001314275.2), dbSNP rs1175664124, ClinGen allele CA379436853.